The following is an entry in ClinVar:

ClinVar aggregate classification (germline): Uncertain significance (1 of 4 stars; one submission).

Allele frequency attached by ClinVar (database versions not stated): gnomAD exomes below 0.00001; gnomAD 0.00004 and 0.00006; TOPMed 0.00021.
gnomAD v4.1: 15 of 1,611,232 alleles (0.00093%); highest among the groups gnomAD compares: Admixed American, 0.013%; no homozygotes.

Submission:

Labcorp Genetics (formerly Invitae), Labcorp
Classification: Uncertain significance. Last evaluated: 2022-10-25. Review status: criteria provided, single submitter. Criteria: Invitae Variant Classification Sherloc (09022015). Collection method: clinical testing. Allele origin: germline.
Comment: This sequence change replaces threonine, which is neutral and polar, with isoleucine, which is neutral and non-polar, at codon 1269 of the PCARE protein (p.Thr1269Ile). This variant is present in population databases (no rsID available, gnomAD 0.006%). This variant has not been reported in the literature in individuals affected with PCARE-related conditions. ClinVar contains an entry for this variant (Variation ID: 854607). Algorithms developed to predict the effect of missense changes on protein structure and function output the following: SIFT: "Tolerated"; PolyPhen-2: "Benign"; Align-GVGD: "Class C0". The isoleucine amino acid residue is found in multiple mammalian species, which suggests that this missense change does not adversely affect protein function. In summary, the available evidence is currently insufficient to determine the role of this variant in disease. Therefore, it has been classified as a Variant of Uncertain Significance.

NM_001029883.3(PCARE):c.3806C>T (p.Thr1269Ile)

Gene: PCARE (photoreceptor cilium actin regulator; minus strand). Cytogenetic location: 2p23.2.
Variant type: single nucleotide variant.
Coding change: c.3806C>T on transcript NM_001029883.3 (MANE Select); coding-DNA position 3806, C replaced by T.
Protein change: p.Thr1269Ile; replaces threonine 1269 with isoleucine.
Molecular consequence: missense variant.
Genome position (GRCh38, 1-based): chr2:29,064,930, G>A on the plus strand (C>T on the coding strand, the complement: PCARE is on the minus strand). VCF-style: chr2-29064930-G-A. GRCh37 (hg19) VCF-style: chr2-29287796-G-A.
Other names: short protein forms T1269I.
Identifiers: ClinVar variation 854607 (VCV000854607.5), dbSNP rs963611260, ClinGen allele CA44633061.